The following is an entry in ClinVar:

ClinVar aggregate classification (germline): Uncertain significance (1 of 4 stars; one submission).

Submission:

Women's Health and Genetics/Laboratory Corporation of America, LabCorp
Classification: Uncertain significance. Last evaluated: 2024-10-09. Review status: criteria provided, single submitter. Criteria: LabCorp Variant Classification Summary - May 2015. Collection method: clinical testing. Allele origin: germline.
Comment: Variant summary: PRF1 c.382G>T (p.Asp128Tyr) results in a non-conservative amino acid change located in the Membrane attack complex component/perforin (MACPF) domain of the encoded protein sequence. Five of five in-silico tools predict a damaging effect of the variant on protein function. The variant was absent in 251004 control chromosomes. The available data on variant occurrences in the general population are insufficient to allow any conclusion about variant significance. c.382G>T has been reported in the literature in individuals affected with Familial Hemophagocytic Lymphohistiocytosis (Abdalgani_2015). These data do not allow any conclusion about variant significance. To our knowledge, no experimental evidence demonstrating an impact on protein function has been reported. The following publication have been ascertained in the context of this evaluation (PMID: 26450956). No submitters have cited clinical-significance assessments for this variant to ClinVar. Based on the evidence outlined above, the variant was classified as uncertain significance.

Literature cited by the submitters: PubMed 26450956.

NM_001083116.3(PRF1):c.382G>T (p.Asp128Tyr)

Gene: PRF1 (perforin 1; minus strand). Cytogenetic location: 10q22.1.
Variant type: single nucleotide variant.
Coding change: c.382G>T on transcript NM_001083116.3 (MANE Select); coding-DNA position 382, G replaced by T.
Protein change: p.Asp128Tyr; replaces aspartic acid 128 with tyrosine.
Molecular consequence: missense variant.
Genome position (GRCh38, 1-based): chr10:70,600,521, C>A on the plus strand (G>T on the coding strand, the complement: PRF1 is on the minus strand). VCF-style: chr10-70600521-C-A. GRCh37 (hg19) VCF-style: chr10-72360277-C-A.
Other names: c.382G>T, p.Asp128Tyr (NM_005041.6); short protein forms D128Y.
Identifiers: ClinVar variation 3384803 (VCV003384803.1).